The following is an entry in ClinVar:

ClinVar aggregate classification (germline): Pathogenic (1 of 4 stars; one submission).

Conditions:
Capillary malformation-arteriovenous malformation syndrome. Also called: Capillary malformation-arteriovenous malformation. Identifiers: Orphanet 137667, MedGen C1842180, MONDO:0012016.

Submission:

Labcorp Genetics (formerly Invitae), Labcorp
Classification: Pathogenic for Capillary malformation-arteriovenous malformation syndrome. Last evaluated: 2024-01-15. Review status: criteria provided, single submitter. Criteria: Invitae Variant Classification Sherloc (09022015). Collection method: clinical testing. Allele origin: germline.
Comment: This sequence change creates a premature translational stop signal (p.Glu1015*) in the RASA1 gene. While this is not anticipated to result in nonsense mediated decay, it is expected to disrupt the last 33 amino acid(s) of the RASA1 protein. This variant is not present in population databases (gnomAD no frequency). This premature translational stop signal has been observed in individual(s) with hereditary hemorrhagic telangiectasia (PMID: 27081547). ClinVar contains an entry for this variant (Variation ID: 581667). This variant disrupts a region of the RASA1 protein in which other variant(s) (p.Gln1019*) have been determined to be pathogenic (PMID: 24038909, 29120072). This suggests that this is a clinically significant region of the protein, and that variants that disrupt it are likely to be disease-causing. For these reasons, this variant has been classified as Pathogenic.

Literature cited by the submitters: PubMed 27081547; PubMed 24038909; PubMed 29120072.

NM_002890.3(RASA1):c.3043G>T (p.Glu1015Ter)

Genes: CCNH (cyclin H; minus strand), RASA1 (RAS p21 protein activator 1; plus strand). Cytogenetic location: 5q14.3.
Variant type: single nucleotide variant.
Coding change: c.3043G>T on transcript NM_002890.3 (MANE Select); coding-DNA position 3043, G replaced by T.
Protein change: p.Glu1015Ter; replaces glutamic acid 1015 with a stop codon.
Molecular consequence: nonsense. On other transcripts: intron variant (1).
Genome position (GRCh38, 1-based): chr5:87,389,510, G>T. VCF-style: chr5-87389510-G-T. GRCh37 (hg19) VCF-style: chr5-86685327-G-T.
Other names: c.2512G>T, p.Glu838Ter (NM_022650.3); c.933+5534C>A (NM_001364075.2); short protein forms E1015*, E838*.
Identifiers: ClinVar variation 581667 (VCV000581667.9), dbSNP rs1561333645, ClinGen allele CA360388578.
Genomic context (GRCh38, chr5:87,389,510, plus strand): 5'-TTAGCAGCATTGCATGAGATTTGCGTGGCTCATTCAGATGAACTTCGAACGCTCAGTAAT[G>T]AGCGTGGTGCACAGCAGGTAGGCTTTCGCCAGCCTTCATTAACAATGATGTTTCAAAGAT-3'